The following is an entry in ClinVar:

NM_021930.6(RINT1):c.1760T>A (p.Met587Lys)

Gene: RINT1 (RAD50 interactor 1; plus strand). Cytogenetic location: 7q22.3.
Variant type: single nucleotide variant.
Coding change: c.1760T>A on transcript NM_021930.6 (MANE Select); coding-DNA position 1760, T replaced by A.
Protein change: p.Met587Lys; replaces methionine 587 with lysine.
Molecular consequence: missense variant. On other transcripts: non-coding transcript variant (1).
Genome position (GRCh38, 1-based): chr7:105,563,821, T>A. VCF-style: chr7-105563821-T-A. GRCh37 (hg19) VCF-style: chr7-105204268-T-A.
Other names: c.1526T>A, p.Met509Lys (NM_001346599.2); c.737T>A, p.Met246Lys (NM_001346600.2, NM_001346603.2); c.836T>A, p.Met279Lys (NM_001346601.2); short protein forms M246K, M587K, M509K, M279K.
Identifiers: ClinVar variation 2563355 (VCV002563355.2), dbSNP rs1471325020, ClinGen allele CA368813782.

ClinVar aggregate classification (germline): Uncertain significance (1 of 4 stars; one submission).

Submission:

Ambry Genetics
Classification: Uncertain significance. Last evaluated: 2023-05-13. Review status: criteria provided, single submitter. Criteria: Ambry Variant Classification Scheme 2023. Collection method: clinical testing. Allele origin: germline.
Comment: The p.M587K variant (also known as c.1760T>A), located in coding exon 12 of the RINT1 gene, results from a T to A substitution at nucleotide position 1760. The methionine at codon 587 is replaced by lysine, an amino acid with similar properties. This amino acid position is conserved. In addition, this alteration is predicted to be tolerated by in silico analysis. Since supporting evidence is limited at this time, the clinical significance of this alteration remains unclear.